The following is an entry in ClinVar:

ClinVar aggregate classification (germline): Conflicting classifications of pathogenicity. Review status: criteria provided, conflicting classifications (1 of 4 stars). 3 submissions from 3 submitters: Uncertain significance (1); Likely benign (1). 1 of the submissions does not count toward it. Last evaluated 2026-09-15.

Conditions:
HGSNAT-related disorder. Also called: HGSNAT-related condition.
Mucopolysaccharidosis, MPS-III-C (MPS3C). Also called: mucopolysaccharidosis type 3C; MUCOPOLYSACCHARIDOSIS, TYPE IIIC; SANFILIPPO SYNDROME C; MPS III C; Mucopolysaccharidosis type IIIC (Sanfilippo C); MPS IIIC (Sanfilippo Syndrome Type C). Identifiers: Orphanet 581, Orphanet 79271, MedGen C0086649, MONDO:0009657, OMIM 252930.
Retinitis pigmentosa 73 (RP73). Identifiers: Orphanet 791, MedGen C4225287, MONDO:0014687, OMIM 616544.

Allele frequency attached by ClinVar (database versions not stated): TOPMed below 0.00001; gnomAD 0.00001; gnomAD exomes 0.00001; ExAC 0.00002.

Submissions (3):

PreventionGenetics, part of Exact Sciences
Classification: Likely benign for HGSNAT-related condition. Last evaluated: 2026-09-15. Review status: criteria provided, single submitter. Criteria: ACMG Guidelines, 2015. Collection method: clinical testing. Allele origin: germline.
Comment: This variant is classified as likely benign based on ACMG/AMP sequence variant interpretation guidelines (Richards et al. 2015 PMID: 25741868, with internal and published modifications).

Labcorp Genetics (formerly Invitae), Labcorp
Classification: Uncertain significance for Retinitis pigmentosa 73; Mucopolysaccharidosis, MPS-III-C. Last evaluated: 2022-06-04. Review status: criteria provided, single submitter. Criteria: Invitae Variant Classification Sherloc (09022015). Collection method: clinical testing. Allele origin: germline.
Comment: This sequence change affects codon 78 of the HGSNAT mRNA. It is a 'silent' change, meaning that it does not change the encoded amino acid sequence of the HGSNAT protein. It affects a nucleotide within the consensus splice site. This variant is present in population databases (rs760790643, gnomAD 0.007%). This variant has not been reported in the literature in individuals affected with HGSNAT-related conditions. ClinVar contains an entry for this variant (Variation ID: 939792). Algorithms developed to predict the effect of sequence changes on RNA splicing suggest that this variant is not likely to affect RNA splicing. In summary, the available evidence is currently insufficient to determine the role of this variant in disease. Therefore, it has been classified as a Variant of Uncertain Significance.

Natera, Inc.
Classification: Uncertain significance for Mucopolysaccharidosis type IIIC. Last evaluated: 2020-02-13. Review status: no assertion criteria provided. Collection method: clinical testing. Allele origin: germline. Not counted in ClinVar's aggregate classification.

NM_152419.3(HGSNAT):c.234C>T (p.His78=)

Gene: HGSNAT (heparan-alpha-glucosaminide N-acetyltransferase; plus strand). Cytogenetic location: 8p11.21.
Variant type: single nucleotide variant.
Coding change: c.234C>T on transcript NM_152419.3 (MANE Select); coding-DNA position 234, C replaced by T.
Protein change: p.His78=; no amino-acid change (histidine 78 retained).
Molecular consequence: synonymous variant. On other transcripts: 5 prime UTR variant (1).
Genome position (GRCh38, 1-based): chr8:43,147,063, C>T. VCF-style: chr8-43147063-C-T. GRCh37 (hg19) VCF-style: chr8-43002206-C-T.
Other names: c.234C>T, p.His78= (NM_001363227.2, NM_001363228.2); c.-600C>T (NM_001363229.2).
Identifiers: ClinVar variation 939792 (VCV000939792.6), dbSNP rs760790643, ClinGen allele CA4736448.
Genomic context (GRCh38, chr8:43,147,063, plus strand): 5'-CCATAATGAACTTCTCTGGACCAACTTGACCGTCTACTGGAAATCTGAATGCTGTTATCA[C>T]GTATGTATCAGTTCACACTCAGTTCTGTTTGCTTTGGGGCTTGTTTGATATGATCCTTAA-3'
Protein context (NP_689632.2, residues 68-88): TVYWKSECCY[His78=]CLFQVLVNVP